The following is an entry in ClinVar:

ClinVar aggregate classification (germline): Uncertain significance (1 of 4 stars; one submission).

Conditions:
Autism spectrum disorder due to AUTS2 deficiency (MRD26). Also called: INTELLECTUAL DEVELOPMENTAL DISORDER, AUTOSOMAL DOMINANT 26. Identifiers: Orphanet 352490, MedGen C4014435, MONDO:0014361, OMIM 615834.

gnomAD v4.1: 1 of 1,594,700 alleles (0.000063%); highest among the groups gnomAD compares: East Asian, 0.0023%; no homozygotes.

Submission:

Victorian Clinical Genetics Services, Murdoch Childrens Research Institute
Classification: Uncertain significance for Autism spectrum disorder due to AUTS2 deficiency. Last evaluated: 2025-06-27. Review status: criteria provided, single submitter. Criteria: ACMG Guidelines, 2015. Collection method: clinical testing. Allele origin: germline. Affected: yes.
Comment: This variant is classified as VUS-3B. Evidence in support of pathogenic classification: Variant is present in gnomAD <0.001 for a dominant condition (v4: 1 heterozygote(s), 0 homozygote(s)). Evidence in support of benign classification: Missense variant predicted to be tolerated by in silico tool(s) or not conserved in placental mammals with a minor amino acid change. Additional information: Variant is predicted to result in a missense amino acid change from proline to leucine; This variant is heterozygous; This gene is associated with autosomal dominant disease; Alternative amino acid change(s) at the same position are present in gnomAD (Highest allele count: v4: 3 heterozygote(s), 0 homozygote(s)); This variant has no previous evidence of pathogenicity; No published segregation evidence has been identified for this variant; No published functional evidence has been identified for this variant; Another missense variant(s) comparable to the one identified in this case has inconclusive previous evidence for pathogenicity. p.(Pro446Ala) has been classified as a VUS by a clinical laboratory in ClinVar; Variant is not located in an established domain, motif, hotspot or informative constraint region; Loss of function is a known mechanism of disease in this gene and is associated with intellectual developmental disorder, autosomal dominant 26 (MIM#615834).

NM_015570.4(AUTS2):c.1337C>T (p.Pro446Leu)

Gene: AUTS2 (activator of transcription and developmental regulator AUTS2; plus strand). Cytogenetic location: 7q11.22.
Variant type: single nucleotide variant.
Coding change: c.1337C>T on transcript NM_015570.4 (MANE Select); coding-DNA position 1337, C replaced by T.
Protein change: p.Pro446Leu; replaces proline 446 with leucine.
Molecular consequence: missense variant.
Genome position (GRCh38, 1-based): chr7:70,764,874, C>T. VCF-style: chr7-70764874-C-T. GRCh37 (hg19) VCF-style: chr7-70229860-C-T.
Other names: c.1337C>T, p.Pro446Leu (NM_001127231.3); short protein forms P446L.
Identifiers: ClinVar variation 4532078 (VCV004532078.1).